The following is an entry in ClinVar:

NM_000138.5(FBN1):c.1841T>C (p.Ile614Thr)

Gene: FBN1 (fibrillin 1; minus strand). Cytogenetic location: 15q21.1.
Variant type: single nucleotide variant.
Coding change: c.1841T>C on transcript NM_000138.5 (MANE Select); coding-DNA position 1841, T replaced by C.
Protein change: p.Ile614Thr; replaces isoleucine 614 with threonine.
Molecular consequence: missense variant.
Genome position (GRCh38, 1-based): chr15:48,505,144, A>G on the plus strand (T>C on the coding strand, the complement: FBN1 is on the minus strand). VCF-style: chr15-48505144-A-G. GRCh37 (hg19) VCF-style: chr15-48797341-A-G.
Other names: c.1841T>C, p.Ile614Thr (NM_001406716.1); short protein forms I614T.
Identifiers: ClinVar variation 3072739 (VCV003072739.3), dbSNP rs762427180, ClinGen allele CA046146.
Genomic context (GRCh38, chr15:48,505,144, plus strand): 5'-GAGCCATCAGTGTTGACGCAACGCCCATTCATGCAGATCCCAGGGGTTTCACACTCGTTA[A>G]TGTCTGTGGCAGAGAAAGGCACTTATTAAAAATGAAGTGACATTTATCTAAAATTATAAC-3'
Protein context (NP_000129.3, residues 604-624): LASDGRYCKD[Ile614Thr]NECETPGICM

ClinVar aggregate classification (germline): Uncertain significance. Review status: criteria provided, multiple submitters, no conflicts (2 of 4 stars). 2 submissions from 2 submitters: Uncertain significance (2). Last evaluated 2024-06-11.

Conditions:
Marfan syndrome (MFS). Also called: MARFAN SYNDROME, TYPE I; Marfan syndrome type 1; Marfan's syndrome; Marfan syndrome, classic; FBN1-Related Marfan Syndrome. Identifiers: Orphanet 284963, Orphanet 558, MedGen C0024796, MONDO:0007947, OMIM 154700.
Familial thoracic aortic aneurysm and aortic dissection (TAAD). Also called: Thoracic aortic aneurysms and dissections. Identifiers: Orphanet 91387, MedGen C4707243, MONDO:0019625.

Allele frequency attached by ClinVar (database versions not stated): gnomAD exomes 0.00001; TOPMed 0.00001; ExAC 0.00002.
gnomAD v4.1: 4 of 1,614,180 alleles (0.00025%); highest among the groups gnomAD compares: East Asian, 0.0089%; no homozygotes.

Submissions (2):

Labcorp Genetics (formerly Invitae), Labcorp
Classification: Uncertain significance for Marfan syndrome; Familial thoracic aortic aneurysm and aortic dissection. Last evaluated: 2024-06-11. Review status: criteria provided, single submitter. Criteria: Invitae Variant Classification Sherloc (09022015). Collection method: clinical testing. Allele origin: germline.
Comment: This sequence change replaces isoleucine, which is neutral and non-polar, with threonine, which is neutral and polar, at codon 614 of the FBN1 protein (p.Ile614Thr). This variant is present in population databases (rs762427180, gnomAD 0.02%). This variant has not been reported in the literature in individuals affected with FBN1-related conditions. Advanced modeling of protein sequence and biophysical properties (such as structural, functional, and spatial information, amino acid conservation, physicochemical variation, residue mobility, and thermodynamic stability) performed at Invitae indicates that this missense variant is expected to disrupt FBN1 protein function with a positive predictive value of 95%. In summary, the available evidence is currently insufficient to determine the role of this variant in disease. Therefore, it has been classified as a Variant of Uncertain Significance.

All of Us Research Program, National Institutes of Health
Classification: Uncertain significance for Marfan syndrome. Last evaluated: 2023-08-15. Review status: criteria provided, single submitter. Criteria: ACMG Guidelines, 2015. Collection method: clinical testing. Allele origin: germline. Inheritance: Autosomal dominant inheritance. Observed: 1 variant allele, 1 heterozygote.
Comment: This missense variant replaces isoleucine with threonine at codon 614 of the FBN1 protein. Computational prediction suggests that this variant may have deleterious impact on protein structure and function (internally defined REVEL score threshold >= 0.7, PMID: 27666373). To our knowledge, functional studies have not been reported for this variant. This variant has not been reported in individuals affected with FBN1-related disorders in the literature. This variant has been identified in 3/251430 chromosomes in the general population by the Genome Aggregation Database (gnomAD). The available evidence is insufficient to determine the role of this variant in disease conclusively. Therefore, this variant is classified as a Variant of Uncertain Significance.

This study involves interpretation of variants in research participants for the purpose of population health screening. Participant phenotype was not available at the time of variant classification. Additional details can be found in publication PMID: 35346344, PMCID: PMC8962531